The following is an entry in ClinVar:

ClinVar aggregate classification (germline): Likely benign (0 of 4 stars; one submission).

Conditions:
LEPR-related disorder. Also called: LEPR-related condition; LEPR-related disorders.

Submission:

PreventionGenetics, part of Exact Sciences
Classification: Likely benign for LEPR-related condition. Last evaluated: 2021-05-18. Review status: no assertion criteria provided. Collection method: clinical testing. Allele origin: germline.
Comment: This variant is classified as likely benign based on ACMG/AMP sequence variant interpretation guidelines (Richards et al. 2015 PMID: 25741868, with internal and published modifications).

NM_002303.6(LEPR):c.2634C>G (p.Pro878=)

Gene: LEPR (leptin receptor; plus strand). Cytogenetic location: 1p31.3.
Variant type: single nucleotide variant.
Coding change: c.2634C>G on transcript NM_002303.6 (MANE Select); coding-DNA position 2634, C replaced by G.
Protein change: p.Pro878=; no amino-acid change (proline 878 retained).
Molecular consequence: synonymous variant.
Genome position (GRCh38, 1-based): chr1:65,622,942, C>G. VCF-style: chr1-65622942-C-G. GRCh37 (hg19) VCF-style: chr1-66088625-C-G.
Other names: c.2634C>G, p.Pro878= (NM_001003679.3, NM_001003680.3, NM_001198687.2 and 2 more transcripts).
Identifiers: ClinVar variation 3357960 (VCV003357960.1).
Genomic context (GRCh38, chr1:65,622,942, plus strand): 5'-TGATGCCCTGTTTATCCTTTGTAGAATGAAAAAGCTATTTTGGGAAGATGTTCCGAACCC[C>G]AAGAATTGTTCCTGGGCACAAGGACTTAATTTTCAGAAGGTTGCTTTTTCAATTTTTTTT-3'
Protein context (NP_002294.2, residues 868-888): KKLFWEDVPN[Pro878=]KNCSWAQGLN